The following is an entry in ClinVar:

ClinVar aggregate classification (germline): Likely benign (0 of 4 stars; one submission).

Conditions:
HEPHL1-related disorder. Also called: HEPHL1-related condition.

Allele frequency attached by ClinVar (database versions not stated): gnomAD exomes 0.00007; ESP Exome Variant Server 0.00058; TOPMed 0.00093; 1000 Genomes Project 0.00140; 1000 Genomes Project 30x 0.00141.
gnomAD v4.1: 239 of 1,613,828 alleles (0.015%); highest among the groups gnomAD compares: African/African-American, 0.27%; 1 homozygote.

Submission:

PreventionGenetics, part of Exact Sciences
Classification: Likely benign for HEPHL1-related condition. Last evaluated: 2022-07-25. Review status: no assertion criteria provided. Collection method: clinical testing. Allele origin: germline.
Comment: This variant is classified as likely benign based on ACMG/AMP sequence variant interpretation guidelines (Richards et al. 2015 PMID: 25741868, with internal and published modifications).

NM_001098672.2(HEPHL1):c.2109G>T (p.Met703Ile)

Gene: HEPHL1 (hephaestin like 1; plus strand). Cytogenetic location: 11q21.
Variant type: single nucleotide variant.
Coding change: c.2109G>T on transcript NM_001098672.2 (MANE Select); coding-DNA position 2109, G replaced by T.
Protein change: p.Met703Ile; replaces methionine 703 with isoleucine.
Molecular consequence: missense variant.
Genome position (GRCh38, 1-based): chr11:94,088,783, G>T. VCF-style: chr11-94088783-G-T. GRCh37 (hg19) VCF-style: chr11-93821949-G-T.
Other names: short protein forms M703I.
Identifiers: ClinVar variation 3038931 (VCV003038931.2), dbSNP rs200886564, ClinGen allele CA6233418.